The following is an entry in ClinVar:

NM_020435.4(GJC2):c.360A>G (p.Pro120=)

Gene: GJC2 (gap junction protein gamma 2; plus strand). Cytogenetic location: 1q42.13.
Variant type: single nucleotide variant.
Coding change: c.360A>G on transcript NM_020435.4 (MANE Select); coding-DNA position 360, A replaced by G.
Protein change: p.Pro120=; no amino-acid change (proline 120 retained).
Molecular consequence: synonymous variant.
Genome position (GRCh38, 1-based): chr1:228,158,118, A>G. VCF-style: chr1-228158118-A-G. GRCh37 (hg19) VCF-style: chr1-228345819-A-G.
Identifiers: ClinVar variation 3050026 (VCV003050026.2), dbSNP rs2034711247, ClinGen allele CA423738815.
Genomic context (GRCh38, chr1:228,158,118, plus strand): 5'-CCGCCTGGCCCGTGCGTCTGAGCAGGAGCGGCGCCGCGCCCTCCGCCGCCGCCCGGGGCC[A>G]CGCCGCGCGCCCCGAGCGCACCTGCCGCCCCCGCACGCCGGCTGGCCTGAGCCCGCCGAC-3'
Protein context (NP_065168.2, residues 110-130): RRRALRRRPG[Pro120=]RRAPRAHLPP

ClinVar aggregate classification (germline): Likely benign (0 of 4 stars; one submission).

Conditions:
GJC2-related disorder. Also called: GJC2-related disorders; GJC2-related condition. Identifiers: MedGen CN230087.

Submission:

PreventionGenetics, part of Exact Sciences
Classification: Likely benign for GJC2-related condition. Last evaluated: 2019-04-25. Review status: no assertion criteria provided. Collection method: clinical testing. Allele origin: germline.
Comment: This variant is classified as likely benign based on ACMG/AMP sequence variant interpretation guidelines (Richards et al. 2015 PMID: 25741868, with internal and published modifications).